The following is an entry in ClinVar:

NM_024642.5(GALNT12):c.1186T>G (p.Tyr396Asp)

Gene: GALNT12 (polypeptide N-acetylgalactosaminyltransferase 12; plus strand). Cytogenetic location: 9q22.33.
Variant type: single nucleotide variant.
Coding change: c.1186T>G on transcript NM_024642.5 (MANE Select); coding-DNA position 1186, T replaced by G.
Protein change: p.Tyr396Asp; replaces tyrosine 396 with aspartic acid.
Molecular consequence: missense variant.
Genome position (GRCh38, 1-based): chr9:98,837,122, T>G. VCF-style: chr9-98837122-T-G. GRCh37 (hg19) VCF-style: chr9-101599404-T-G.
Other names: short protein forms Y396D.
Identifiers: ClinVar variation 1743635 (VCV001743635.3), dbSNP rs780883563, ClinGen allele CA5154180.
Genomic context (GRCh38, chr9:98,837,122, plus strand): 5'-GCTCTGGCCAACAGTGTTCGTGCAGCTGAAGTATGGATGGATGAATTTAAAGAGCTCTAC[T>G]ACCATCGCAACCCCCGTGCCCGCTTGGTGAGTTCCTCGGCCCACCTGCACTCCATCTGGC-3'
Protein context (NP_078918.3, residues 386-406): VWMDEFKELY[Tyr396Asp]HRNPRARLEP

ClinVar aggregate classification (germline): Uncertain significance. Review status: criteria provided, multiple submitters, no conflicts (2 of 4 stars). 2 submissions from 2 submitters: Uncertain significance (2). Last evaluated 2024-03-19.

Conditions:
Colorectal cancer, susceptibility to, 1. Also called: COLORECTAL ADENOMA AND CANCER, SUSCEPTIBILITY TO; COLORECTAL CANCER, SUSCEPTIBILITY TO, ON CHROMOSOME 9. Identifiers: MedGen C1837315, MONDO:0012132, OMIM 608812.

Allele frequency attached by ClinVar (database versions not stated): ExAC 0.00001.
gnomAD v4.1: 11 of 1,614,138 alleles (0.00068%); highest among the groups gnomAD compares: South Asian, 0.011%; no homozygotes.

Submissions (2):

Baylor Genetics
Classification: Uncertain significance for Colorectal cancer, susceptibility to, 1. Last evaluated: 2024-03-19. Review status: criteria provided, single submitter. Criteria: ACMG Guidelines, 2015. Collection method: clinical testing. Allele origin: unknown.

Ambry Genetics
Classification: Uncertain significance. Last evaluated: 2023-12-23. Review status: criteria provided, single submitter. Criteria: Ambry Variant Classification Scheme 2023. Collection method: clinical testing. Allele origin: germline.
Comment: The p.Y396D variant (also known as c.1186T>G), located in coding exon 6 of the GALNT12 gene, results from a T to G substitution at nucleotide position 1186. The tyrosine at codon 396 is replaced by aspartic acid, an amino acid with highly dissimilar properties. This amino acid position is conserved. In addition, this alteration is predicted to be deleterious by in silico analysis. Since supporting evidence is limited at this time, the clinical significance of this alteration remains unclear.